The following is an entry in ClinVar:

ClinVar aggregate classification (germline): Uncertain significance (1 of 4 stars; one submission).

Submission:

Dasa
Classification: Uncertain significance. Last evaluated: 2026-08-05. Review status: criteria provided, single submitter. Criteria: DASA Assertion Criteria. Collection method: clinical testing. Allele origin: germline.
Comment: NM_014679.5(CEP57):c.551G>A (p.Ser184Asn) is a missense variant that results in the substitution of serine with asparagine. This variant is rare in population databases. Computational prediction algorithms are consistent with a benign effect. The currently available literature and clinical evidence are not sufficient to establish a definitive association between this variant and the reported condition. Therefore, this variant is classified as a variant of uncertain significance.

NM_014679.5(CEP57):c.551G>A (p.Ser184Asn)

Gene: CEP57 (centrosomal protein 57; plus strand). Cytogenetic location: 11q21.
Variant type: single nucleotide variant.
Coding change: c.551G>A on transcript NM_014679.5 (MANE Select); coding-DNA position 551, G replaced by A.
Protein change: p.Ser184Asn; replaces serine 184 with asparagine.
Molecular consequence: missense variant. On other transcripts: intron variant (7).
Genome position (GRCh38, 1-based): chr11:95,817,833, G>A. VCF-style: chr11-95817833-G-A. GRCh37 (hg19) VCF-style: chr11-95550997-G-A.
Other names: c.524G>A, p.Ser175Asn (NM_001243776.2); c.551G>A, p.Ser184Asn (NM_001243777.2, NM_001440871.1, NM_001440874.1); c.470G>A, p.Ser157Asn (NM_001363604.2, NM_001440869.1, NM_001440870.1 and 1 more transcripts); c.505-994G>A (NM_001440876.1, NM_001440879.1, NM_001440882.1 and 1 more transcripts); c.325-994G>A (NM_001440881.1); c.424-994G>A (NM_001440878.1, NM_001440877.1); c.371G>A, p.Ser124Asn (NM_001440873.1); c.290G>A, p.Ser97Asn (NM_001440880.1); short protein forms S124N, S157N, S175N, S184N, S97N.
Identifiers: ClinVar variation 5020622 (VCV005020622.1).